The following is an entry in ClinVar:

NM_001134363.3(RBM20):c.632C>T (p.Ala211Val)

Gene: RBM20 (RNA binding motif protein 20; plus strand). Cytogenetic location: 10q25.2.
Variant type: single nucleotide variant.
Coding change: c.632C>T on transcript NM_001134363.3 (MANE Select); coding-DNA position 632, C replaced by T.
Protein change: p.Ala211Val; replaces alanine 211 with valine.
Molecular consequence: missense variant.
Genome position (GRCh38, 1-based): chr10:110,781,241, C>T. VCF-style: chr10-110781241-C-T. GRCh37 (hg19) VCF-style: chr10-112540999-C-T.
Other names: short protein forms A211V.
Identifiers: ClinVar variation 2626078 (VCV002626078.2), dbSNP rs2493410931, ClinGen allele CA378381754.

ClinVar aggregate classification (germline): Uncertain significance (1 of 4 stars; one submission).

Conditions:
Cardiovascular phenotype. Identifiers: MedGen CN230736.

Submission:

Ambry Genetics
Classification: Uncertain significance for Cardiovascular phenotype. Last evaluated: 2023-07-30. Review status: criteria provided, single submitter. Criteria: Ambry Variant Classification Scheme 2023. Collection method: clinical testing. Allele origin: germline.
Comment: The p.A211V variant (also known as c.632C>T), located in coding exon 2 of the RBM20 gene, results from a C to T substitution at nucleotide position 632. The alanine at codon 211 is replaced by valine, an amino acid with similar properties. This amino acid position is conserved. In addition, the in silico prediction for this alteration is inconclusive. Since supporting evidence is limited at this time, the clinical significance of this alteration remains unclear.